The following is an entry in ClinVar:

NM_000263.4(NAGLU):c.54_60dup (p.Ala21fs)

Genes: NAGLU (N-acetyl-alpha-glucosaminidase; plus strand), LOC130060903 (ATAC-STARR-seq lymphoblastoid silent region 8533; plus strand). Cytogenetic location: 17q21.2.
Variant type: Duplication.
Coding change: c.54_60dup on transcript NM_000263.4 (MANE Select); coding-DNA positions 54 to 60, 7 bases duplicated (CGGGGGC; older notation c.54_60dupCGGGGGC).
Protein change: p.Ala21fs; shifts the reading frame from alanine 21.
Molecular consequence: frameshift variant.
Genome position (GRCh38, 1-based): chr17:42,536,326-42,536,332, CGGGGGC duplicated; duplicating any 7 consecutive bases within chr17:42,536,321-42,536,332 gives the same sequence; the c. name uses the placement nearest the transcript's 3' end. VCF-style (leftmost placement, unchanged base first): chr17-42536320-C-CGGGGCCG. GRCh37 (hg19) VCF-style: chr17-40688338-C-CGGGGCCG.
Other names: short protein forms A21fs.
Identifiers: ClinVar variation 1068486 (VCV001068486.9), dbSNP rs2143075344, ClinGen allele CA2499224325.
Genomic context (GRCh38, chr17:42,536,320, plus strand): 5'-CAGGACTGAGACCATGGAGGCGGTGGCGGTGGCCGCGGCGGTGGGGGTCCTTCTCCTGGC[C>CGGGGCCG]GGGGCCGGGGGCGCGGCAGGCGACGAGGCCCGGGAGGCGGCGGCCGTGCGGGCGCTCGTG-3'

ClinVar aggregate classification (germline): Pathogenic (1 of 4 stars; one submission).

Conditions:
Mucopolysaccharidosis, MPS-III-B (MPS3B). Also called: MPS IIIB (Sanfilippo Syndrome Type B); MUCOPOLYSACCHARIDOSIS, TYPE IIIB; Mucopolysaccharidosis type IIIB (Sanfilippo B); N-ACETYL-ALPHA-D-GLUCOSAMINIDASE DEFICIENCY; NAGLU DEFICIENCY; SANFILIPPO SYNDROME B. Identifiers: Orphanet 79270, MedGen C0086648, MONDO:0009656, OMIM 252920.
Charcot-Marie-Tooth disease axonal type 2V. Also called: CHARCOT-MARIE-TOOTH NEUROPATHY, TYPE 2V; CHARCOT-MARIE-TOOTH DISEASE, AXONAL, AUTOSOMAL DOMINANT, TYPE 2V. Identifiers: Orphanet 447964, MedGen C5569050, MONDO:0014665, OMIM 616491.

Submission:

Labcorp Genetics (formerly Invitae), Labcorp
Classification: Pathogenic for Charcot-Marie-Tooth disease axonal type 2V; Mucopolysaccharidosis, MPS-III-B. Last evaluated: 2023-11-28. Review status: criteria provided, single submitter. Criteria: Invitae Variant Classification Sherloc (09022015). Collection method: clinical testing. Allele origin: germline.
Comment: This sequence change creates a premature translational stop signal (p.Ala21Argfs*173) in the NAGLU gene. It is expected to result in an absent or disrupted protein product. Loss-of-function variants in NAGLU are known to be pathogenic (PMID: 9832037, 10094189, 16151907). This variant is not present in population databases (gnomAD no frequency). This premature translational stop signal has been observed in individual(s) with mucopolysaccharidosis type IIIB (PMID: 10094189). This variant is also known as ins7bp48. ClinVar contains an entry for this variant (Variation ID: 1068486). For these reasons, this variant has been classified as Pathogenic.

Literature cited by the submitters: PubMed 9832037; PubMed 10094189; PubMed 16151907.